The following is an entry in ClinVar:

ClinVar aggregate classification (germline): Uncertain significance (1 of 4 stars; one submission).

Conditions:
Intellectual developmental disorder, X-linked, syndromic, Turner type. Also called: Intellectual disability, X-linked syndromic, Turner type; X-linked intellectual disability, Turner type. Identifiers: Orphanet 3056, Orphanet 85328, MedGen C2678046, MONDO:0010407, OMIM 309590.

Allele frequency attached by ClinVar (database versions not stated): gnomAD exomes below 0.00001.
gnomAD v4.1: 1 of 1,210,621 alleles (0.000083%); highest among the groups gnomAD compares: Non-Finnish European, 0.00011%; no homozygotes.

Submission:

3billion
Classification: Uncertain significance for Intellectual developmental disorder, X-linked, syndromic, Turner type. Review status: criteria provided, single submitter. Criteria: ACMG Guidelines, 2015. Collection method: clinical testing. Allele origin: unknown. Affected: yes. Observed: 1 heterozygote.
Comment: The variant is not observed in the gnomAD v2.1.1 dataset. Missense changes are a common disease-causing mechanism. In silico tool predictions suggest damaging effect of the variant on gene or gene product (REVEL: 0.60; 3Cnet: 0.85). Therefore, this variant is classified as Uncertain significance according to the recommendation of ACMG/AMP guideline.

NM_031407.7(HUWE1):c.12335G>A (p.Arg4112His)

Gene: HUWE1 (HECT, UBA and WWE domain containing E3 ubiquitin protein ligase 1; minus strand). Cytogenetic location: Xp11.22.
Variant type: single nucleotide variant.
Coding change: c.12335G>A on transcript NM_031407.7 (MANE Select); coding-DNA position 12335, G replaced by A.
Protein change: p.Arg4112His; replaces arginine 4112 with histidine.
Molecular consequence: missense variant.
Genome position (GRCh38, 1-based): chrX:53,536,470, C>T on the plus strand (G>A on the coding strand, the complement: HUWE1 is on the minus strand). VCF-style: chrX-53536470-C-T. GRCh37 (hg19) VCF-style: chrX-53563431-C-T.
Other names: short protein forms R4112H.
Identifiers: ClinVar variation 2572565 (VCV002572565.1), dbSNP rs2522053931, ClinGen allele CA413150575.